The following is an entry in ClinVar:

ClinVar aggregate classification (germline): Uncertain significance (1 of 4 stars; one submission).

Conditions:
NOVA2-related disorder. Also called: NOVA2-related condition.

Submission:

PreventionGenetics, part of Exact Sciences
Classification: Uncertain significance for NOVA2-related condition. Last evaluated: 2025-01-14. Review status: criteria provided, single submitter. Criteria: ACMG Guidelines, 2015. Collection method: clinical testing. Allele origin: germline.
Comment: The NOVA2 c.731C>T variant is predicted to result in the amino acid substitution p.Ala244Val. To our knowledge, this variant has not been reported in the literature or in a large population database (gnomAD), indicating this variant is rare. At this time, the clinical significance of this variant is uncertain due to the absence of conclusive functional and genetic evidence.

NM_002516.4(NOVA2):c.731C>T (p.Ala244Val)

Gene: NOVA2 (NOVA alternative splicing regulator 2; minus strand). Cytogenetic location: 19q13.32.
Variant type: single nucleotide variant.
Coding change: c.731C>T on transcript NM_002516.4 (MANE Select); coding-DNA position 731, C replaced by T.
Protein change: p.Ala244Val; replaces alanine 244 with valine.
Molecular consequence: missense variant.
Genome position (GRCh38, 1-based): chr19:45,940,611, G>A on the plus strand (C>T on the coding strand, the complement: NOVA2 is on the minus strand). VCF-style: chr19-45940611-G-A. GRCh37 (hg19) VCF-style: chr19-46443869-G-A.
Other names: short protein forms A244V.
Identifiers: ClinVar variation 4990241 (VCV004990241.1).